The following is an entry in ClinVar:

NM_001572.5(IRF7):c.184-4T>A

Gene: IRF7 (interferon regulatory factor 7; minus strand). Cytogenetic location: 11p15.5.
Variant type: single nucleotide variant.
Coding change: c.184-4T>A on transcript NM_001572.5 (MANE Select); 4 bases into the intron before coding-DNA position 184, T replaced by A.
Molecular consequence: intron variant.
Genome position (GRCh38, 1-based): chr11:615,011, A>T on the plus strand (T>A on the coding strand, the complement: IRF7 is on the minus strand). VCF-style: chr11-615011-A-T. GRCh37 (hg19) VCF-style: chr11-615011-A-T.
Other names: p.?; c.184-4T>A (NM_004029.4); c.223-4T>A (NM_004031.4).
Identifiers: ClinVar variation 1170391 (VCV001170391.18), dbSNP rs12272434, ClinGen allele CA5784049.

ClinVar aggregate classification (germline): Benign. Review status: criteria provided, multiple submitters, no conflicts (2 of 4 stars). 6 submissions from 6 submitters: Benign (6). Last evaluated 2026-01-05.

Conditions:
Immunodeficiency 39 (IMD39). Identifiers: Orphanet 574918, MedGen C4225358, MONDO:0014597, OMIM 616345.

Allele frequency attached by ClinVar (database versions not stated): ESP Exome Variant Server 0.27235; 1000 Genomes Project 0.27636; TOPMed 0.34524; 1000 Genomes Project 30x 0.28560.

Submissions (6):

Labcorp Genetics (formerly Invitae), Labcorp
Classification: Benign for Immunodeficiency 39. Last evaluated: 2026-01-05. Review status: criteria provided, single submitter. Criteria: Invitae Variant Classification Sherloc (09022015). Collection method: clinical testing. Allele origin: germline.

Unidad de Genómica Garrahan, Hospital de Pediatría Garrahan
Classification: Benign. Last evaluated: 2024-01-24. Review status: criteria provided, single submitter. Criteria: ACMG Guidelines, 2015. Collection method: clinical testing. Allele origin: germline. Affected: no. Observed: 56 variant alleles.
Comment: This variant is classified as Benign based on local population frequency. This variant was detected in 59% of patients studied by a panel of primary immunodeficiencies. Number of patients: 56. Only high quality variants are reported.

Mayo Clinic Laboratories, Mayo Clinic
Classification: Benign. Last evaluated: 2022-09-06. Review status: criteria provided, single submitter. Criteria: ACMG Guidelines, 2015. Collection method: clinical testing. Allele origin: germline. Observed: 3 variant alleles.

Genome-Nilou Lab
Classification: Benign for Immunodeficiency 39. Last evaluated: 2021-07-14. Review status: criteria provided, single submitter. Criteria: ACMG Guidelines, 2015. Collection method: clinical testing. Allele origin: germline. Affected: no.

GeneDx
Classification: Benign. Last evaluated: 2020-04-07. Review status: criteria provided, single submitter. Criteria: GeneDx Variant Classification Process June 2021. Collection method: clinical testing. Allele origin: germline. Affected: yes.

Breakthrough Genomics
Classification: Benign. Review status: criteria provided, single submitter. Criteria: ACMG Guidelines, 2015. Collection method: not provided. Allele origin: germline. Inheritance: Autosomal recessive inheritance. Affected: yes.